The following is an entry in ClinVar:

NM_001330078.2(NRXN1):c.2008C>A (p.Pro670Thr)

Gene: NRXN1 (neurexin 1; minus strand). Cytogenetic location: 2p16.3.
Variant type: single nucleotide variant.
Coding change: c.2008C>A on transcript NM_001330078.2 (MANE Select); coding-DNA position 2008, C replaced by A.
Protein change: p.Pro670Thr; replaces proline 670 with threonine.
Molecular consequence: missense variant.
Genome position (GRCh38, 1-based): chr2:50,538,388, G>T on the plus strand (C>A on the coding strand, the complement: NRXN1 is on the minus strand). VCF-style: chr2-50538388-G-T. GRCh37 (hg19) VCF-style: chr2-50765526-G-T.
Other names: c.2128C>A, p.Pro710Thr (NM_001135659.3); c.1984C>A, p.Pro662Thr (NM_001330077.2, NM_001330082.2, NM_001330095.2); c.1969C>A, p.Pro657Thr (NM_001330083.2, NM_001330084.2); c.2008C>A, p.Pro670Thr (NM_001330085.2, NM_001330086.2, NM_004801.6); c.1924C>A, p.Pro642Thr (NM_001330087.2, NM_001330096.2); c.1954C>A, p.Pro652Thr (NM_001330088.2); c.2005C>A, p.Pro669Thr (NM_001330093.2); c.1996C>A, p.Pro666Thr (NM_001330094.2); short protein forms P657T, P669T, P710T, P642T, P652T, P662T, P666T, P670T.
Identifiers: ClinVar variation 2100621 (VCV002100621.4), dbSNP rs762326241, ClinGen allele CA1654942.

ClinVar aggregate classification (germline): Uncertain significance (1 of 4 stars; one submission).

Conditions:
Pitt-Hopkins-like syndrome 2 (PTHSL2). Identifiers: Orphanet 221150, Orphanet 600663, MedGen C3280479, MONDO:0013690, OMIM 614325.

Allele frequency attached by ClinVar (database versions not stated): gnomAD 0.00001.
gnomAD v4.1: 15 of 1,613,842 alleles (0.00093%); highest among the groups gnomAD compares: South Asian, 0.0055%; no homozygotes.

Submission:

Labcorp Genetics (formerly Invitae), Labcorp
Classification: Uncertain significance for Pitt-Hopkins-like syndrome 2. Last evaluated: 2024-05-06. Review status: criteria provided, single submitter. Criteria: Invitae Variant Classification Sherloc (09022015). Collection method: clinical testing. Allele origin: germline.
Comment: This sequence change replaces proline, which is neutral and non-polar, with threonine, which is neutral and polar, at codon 710 of the NRXN1 protein (p.Pro710Thr). This variant is present in population databases (rs762326241, gnomAD 0.01%). This variant has not been reported in the literature in individuals affected with NRXN1-related conditions. ClinVar contains an entry for this variant (Variation ID: 2100621). An algorithm developed to predict the effect of missense changes on protein structure and function (PolyPhen-2) suggests that this variant is likely to be disruptive. In summary, the available evidence is currently insufficient to determine the role of this variant in disease. Therefore, it has been classified as a Variant of Uncertain Significance.